The following is an entry in ClinVar:

ClinVar aggregate classification (germline): Uncertain significance (1 of 4 stars; one submission).

Submission:

GeneDx
Classification: Uncertain significance. Last evaluated: 2024-12-13. Review status: criteria provided, single submitter. Criteria: GeneDx Variant Classification Process June 2021. Collection method: clinical testing. Allele origin: germline. Affected: yes.
Comment: Not observed at significant frequency in large population cohorts (gnomAD); In silico analysis supports that this missense variant has a deleterious effect on protein structure/function; Has not been previously published as pathogenic or benign to our knowledge

NM_024496.4(IRF2BPL):c.91T>C (p.Ser31Pro)

Genes: IRF2BPL (interferon regulatory factor 2 binding protein like; minus strand), LOC107984638 (uncharacterized LOC107984638; plus strand). Cytogenetic location: 14q24.3.
Variant type: single nucleotide variant.
Coding change: c.91T>C on transcript NM_024496.4 (MANE Select); coding-DNA position 91, T replaced by C.
Protein change: p.Ser31Pro; replaces serine 31 with proline.
Molecular consequence: missense variant. On other transcripts: non-coding transcript variant (3).
Genome position (GRCh38, 1-based): chr14:77,027,702, A>G on the plus strand (T>C on the coding strand, the complement: IRF2BPL is on the minus strand). VCF-style: chr14-77027702-A-G. GRCh37 (hg19) VCF-style: chr14-77494045-A-G.
Other names: short protein forms S31P.
Identifiers: ClinVar variation 3906582 (VCV003906582.1).